The following is an entry in ClinVar:

ClinVar aggregate classification (germline): Likely benign (1 of 4 stars; one submission).

Conditions:
Congenital fibrosis of extraocular muscles type 1. Also called: OPHTHALMOPLEGIA, CONGENITAL; FEOM1 LOCUS; BLEPHAROPTOSIS WITH ABSENT EYE MOVEMENTS; CFEOM3B. Identifiers: MedGen C1851102, MONDO:0021083, OMIM 135700.

Allele frequency attached by ClinVar (database versions not stated): 1000 Genomes Project 30x 0.00062; gnomAD 0.00191 and 0.00174; TOPMed 0.00178; 1000 Genomes Project 0.00080.
gnomAD v4.1: 433 of 1,182,462 alleles (0.037%); highest among the groups gnomAD compares: African/African-American, 0.56%; no homozygotes.

Submission:

Illumina Laboratory Services, Illumina
Classification: Likely benign for Congenital fibrosis of extraocular muscles type 1. Last evaluated: 2018-01-13. Review status: criteria provided, single submitter. Criteria: ICSL Variant Classification Criteria 13 December 2019. Collection method: clinical testing. Allele origin: germline.
Comment: This variant was observed in the ICSL laboratory as part of a predisposition screen in an ostensibly healthy population. It had not been previously curated by ICSL or reported in the Human Gene Mutation Database (HGMD: prior to June 1st, 2018), and was therefore a candidate for classification through an automated scoring system. Utilizing variant allele frequency, disease prevalence and penetrance estimates, and inheritance mode, an automated score was calculated to assess if this variant is too frequent to cause the disease. Based on the score and internal cut-off values, a variant classified as likely benign is not then subjected to further curation. The score for this variant resulted in a classification of likely benign for this disease.

NM_001173464.2(KIF21A):c.*71C>G

Gene: KIF21A (kinesin family member 21A; minus strand). Cytogenetic location: 12q12.
Variant type: single nucleotide variant.
Coding change: c.*71C>G on transcript NM_001173464.2 (MANE Select); 71 bases downstream of the stop codon, C replaced by G.
Molecular consequence: 3 prime UTR variant.
Genome position (GRCh38, 1-based): chr12:39,294,353, G>C on the plus strand (C>G on the coding strand, the complement: KIF21A is on the minus strand). VCF-style: chr12-39294353-G-C. GRCh37 (hg19) VCF-style: chr12-39688155-G-C.
Other names: c.*71C>G (NM_001173463.2, NM_001173465.2, NM_001378439.1 and 3 more transcripts).
Identifiers: ClinVar variation 880993 (VCV000880993.4), dbSNP rs111409014, ClinGen allele CA235268332.